The following is an entry in ClinVar:

ClinVar aggregate classification (germline): Uncertain significance. Review status: criteria provided, multiple submitters, no conflicts (2 of 4 stars). 2 submissions from 2 submitters: Uncertain significance (2). Last evaluated 2025-12-15.

Conditions:
Familial focal epilepsy with variable foci (FPEVF). Identifiers: Orphanet 98820, MedGen C1858477, MONDO:0020310.

Allele frequency attached by ClinVar (database versions not stated): ExAC 0.00001.
gnomAD v4.1: 3 of 1,614,218 alleles (0.00019%); highest among the groups gnomAD compares: Non-Finnish European, 0.00025%; no homozygotes.

Submissions (2):

Labcorp Genetics (formerly Invitae), Labcorp
Classification: Uncertain significance for Familial focal epilepsy with variable foci. Last evaluated: 2025-12-15. Review status: criteria provided, single submitter. Criteria: Invitae Variant Classification Sherloc (09022015). Collection method: clinical testing. Allele origin: germline.
Comment: This sequence change replaces proline, which is neutral and non-polar, with alanine, which is neutral and non-polar, at codon 1032 of the DEPDC5 protein (p.Pro1032Ala). This variant is present in population databases (rs770979723, gnomAD 0.002%). This variant has not been reported in the literature in individuals affected with DEPDC5-related conditions. ClinVar contains an entry for this variant (Variation ID: 2502470). Experimental studies and prediction algorithms are not available or were not evaluated, and the functional significance of this variant is currently unknown. In summary, the available evidence is currently insufficient to determine the role of this variant in disease. Therefore, it has been classified as a Variant of Uncertain Significance.

GeneDx
Classification: Uncertain significance. Last evaluated: 2022-11-18. Review status: criteria provided, single submitter. Criteria: GeneDx Variant Classification Process June 2021. Collection method: clinical testing. Allele origin: germline. Affected: yes.
Comment: Not observed at significant frequency in large population cohorts (gnomAD); In silico analysis supports that this missense variant does not alter protein structure/function; Has not been previously published as pathogenic or benign to our knowledge

NM_001242896.3(DEPDC5):c.3094C>G (p.Pro1032Ala)

Gene: DEPDC5 (DEP domain containing 5, GATOR1 subcomplex subunit; plus strand). Cytogenetic location: 22q12.3.
Variant type: single nucleotide variant.
Coding change: c.3094C>G on transcript NM_001242896.3 (MANE Select); coding-DNA position 3094, C replaced by G.
Protein change: p.Pro1032Ala; replaces proline 1032 with alanine.
Molecular consequence: missense variant. On other transcripts: non-coding transcript variant (5).
Genome position (GRCh38, 1-based): chr22:31,846,906, C>G. VCF-style: chr22-31846906-C-G. GRCh37 (hg19) VCF-style: chr22-32242892-C-G.
Other names: c.3067C>G, p.Pro1023Ala (NM_001136029.4, NM_001369903.1, NM_014662.6); c.2860C>G, p.Pro954Ala (NM_001242897.2, NM_001363854.2, NM_001364319.2); c.3094C>G, p.Pro1032Ala (NM_001363852.2, NM_001364318.2, NM_001364320.2); c.3010C>G, p.Pro1004Ala (NM_001369901.1, NM_001369902.1); short protein forms P1004A, P1023A, P1032A, P954A.
Identifiers: ClinVar variation 2502470 (VCV002502470.3), dbSNP rs770979723, ClinGen allele CA10196878.